The following is an entry in ClinVar:

ClinVar aggregate classification (germline): Uncertain significance (1 of 4 stars; one submission).

gnomAD v4.1: 1 of 1,613,368 alleles (0.000062%); highest among the groups gnomAD compares: South Asian, 0.0011%; no homozygotes.

Submission:

Labcorp Genetics (formerly Invitae), Labcorp
Classification: Uncertain significance. Last evaluated: 2025-03-13. Review status: criteria provided, single submitter. Criteria: Invitae Variant Classification Sherloc (09022015). Collection method: clinical testing. Allele origin: germline.
Comment: This sequence change replaces threonine, which is neutral and polar, with alanine, which is neutral and non-polar, at codon 898 of the CTR9 protein (p.Thr898Ala). This variant is not present in population databases (gnomAD no frequency). This variant has not been reported in the literature in individuals affected with CTR9-related conditions. An algorithm developed to predict the effect of missense changes on protein structure and function outputs the following: PolyPhen-2: "Benign". The alanine amino acid residue is found in multiple mammalian species, which suggests that this missense change does not adversely affect protein function. In summary, the available evidence is currently insufficient to determine the role of this variant in disease. Therefore, it has been classified as a Variant of Uncertain Significance.

NM_014633.5(CTR9):c.2692A>G (p.Thr898Ala)

Gene: CTR9 (CTR9 component of Paf1/RNA polymerase II complex; plus strand). Cytogenetic location: 11p15.4.
Variant type: single nucleotide variant.
Coding change: c.2692A>G on transcript NM_014633.5 (MANE Select); coding-DNA position 2692, A replaced by G.
Protein change: p.Thr898Ala; replaces threonine 898 with alanine.
Molecular consequence: missense variant.
Genome position (GRCh38, 1-based): chr11:10,773,238, A>G. VCF-style: chr11-10773238-A-G. GRCh37 (hg19) VCF-style: chr11-10794785-A-G.
Other names: c.2620A>G, p.Thr874Ala (NM_001346279.2); short protein forms T874A, T898A.
Identifiers: ClinVar variation 4804924 (VCV004804924.1).